The following is an entry in ClinVar:

NM_001257096.2(PAX1):c.509C>G (p.Pro170Arg)

Gene: PAX1 (paired box 1; plus strand). Cytogenetic location: 20p11.22.
Variant type: single nucleotide variant.
Coding change: c.509C>G on transcript NM_001257096.2 (MANE Select); coding-DNA position 509, C replaced by G.
Protein change: p.Pro170Arg; replaces proline 170 with arginine.
Molecular consequence: missense variant.
Genome position (GRCh38, 1-based): chr20:21,706,660, C>G. VCF-style: chr20-21706660-C-G. GRCh37 (hg19) VCF-style: chr20-21687298-C-G.
Other names: c.509C>G, p.Pro170Arg (NM_006192.5); short protein forms P170R.
Identifiers: ClinVar variation 1502891 (VCV001502891.5), dbSNP rs1368682729, ClinGen allele CA408498126.

ClinVar aggregate classification (germline): Uncertain significance (1 of 4 stars; one submission).

Submission:

Labcorp Genetics (formerly Invitae), Labcorp
Classification: Uncertain significance. Last evaluated: 2022-08-19. Review status: criteria provided, single submitter. Criteria: Invitae Variant Classification Sherloc (09022015). Collection method: clinical testing. Allele origin: germline.
Comment: This sequence change replaces proline, which is neutral and non-polar, with arginine, which is basic and polar, at codon 170 of the PAX1 protein (p.Pro170Arg). This variant is not present in population databases (gnomAD no frequency). This variant has not been reported in the literature in individuals affected with PAX1-related conditions. ClinVar contains an entry for this variant (Variation ID: 1502891). Algorithms developed to predict the effect of missense changes on protein structure and function (SIFT, PolyPhen-2, Align-GVGD) all suggest that this variant is likely to be disruptive. In summary, the available evidence is currently insufficient to determine the role of this variant in disease. Therefore, it has been classified as a Variant of Uncertain Significance.